The following is an entry in ClinVar:

ClinVar aggregate classification (germline): Likely benign. Review status: criteria provided, multiple submitters, no conflicts (2 of 4 stars). 4 submissions from 4 submitters: Likely benign (4). Last evaluated 2024-03-01.

Conditions:
Cardiac arrhythmia. Also called: Cardiac rhythm disease; Arrhythmia. Identifiers: MedGen C0003811, MONDO:0007263, HP:0011675.
Long QT syndrome (LQTS). Identifiers: MedGen C0023976, MeSH D008133, MONDO:0002442. Disease mechanism: loss of function. Inheritance: Various modes of inheritance.

Allele frequency attached by ClinVar (database versions not stated): gnomAD exomes 0.00001; TOPMed 0.00001.
gnomAD v4.1: 4 of 1,614,122 alleles (0.00025%); highest among the groups gnomAD compares: Non-Finnish European, 0.00034%; no homozygotes.

Submissions (4):

Labcorp Genetics (formerly Invitae), Labcorp
Classification: Likely benign for Long QT syndrome. Last evaluated: 2024-03-01. Review status: criteria provided, single submitter. Criteria: Invitae Variant Classification Sherloc (09022015). Collection method: clinical testing. Allele origin: germline.

Blueprint Genetics
Classification: Likely benign. Last evaluated: 2024-02-06. Review status: criteria provided, single submitter. Criteria: ACMG Guidelines, 2015. Collection method: clinical testing. Allele origin: germline.

All of Us Research Program, National Institutes of Health
Classification: Likely benign for Long QT syndrome. Last evaluated: 2023-03-28. Review status: criteria provided, single submitter. Criteria: ACMG Guidelines, 2015. Collection method: clinical testing. Allele origin: germline. Inheritance: Autosomal dominant inheritance. Observed: 1 variant allele, 1 heterozygote.
Comment: This study involves interpretation of variants in research participants for the purpose of population health screening. Participant phenotype was not available at the time of variant classification. Additional details can be found in publication PMID: 35346344, PMCID: PMC8962531

Color Diagnostics, LLC DBA Color Health
Classification: Likely benign for Arrhythmia. Last evaluated: 2018-11-09. Review status: criteria provided, single submitter. Criteria: ACMG Guidelines, 2015. Collection method: clinical testing. Allele origin: germline.

NM_000238.4(KCNH2):c.435C>T (p.Thr145=)

Gene: KCNH2 (potassium voltage-gated channel subfamily H member 2; minus strand). Cytogenetic location: 7q36.1.
Variant type: single nucleotide variant.
Coding change: c.435C>T on transcript NM_000238.4 (MANE Select); coding-DNA position 435, C replaced by T.
Protein change: p.Thr145=; no amino-acid change (threonine 145 retained).
Molecular consequence: synonymous variant. On other transcripts: non-coding transcript variant (1).
Genome position (GRCh38, 1-based): chr7:150,959,609, G>A on the plus strand (C>T on the coding strand, the complement: KCNH2 is on the minus strand). VCF-style: chr7-150959609-G-A. GRCh37 (hg19) VCF-style: chr7-150656697-G-A.
Other names: c.147C>T, p.Thr49= (NM_001406753.1, NM_001406756.1); c.258C>T, p.Thr86= (NM_001406755.1); c.135C>T, p.Thr45= (NM_001406757.1); c.435C>T, p.Thr145= (NM_172056.3).
Identifiers: ClinVar variation 926554 (VCV000926554.10), dbSNP rs1008362369, ClinGen allele CA169082123.